The following is an entry in ClinVar:

ClinVar aggregate classification (germline): Pathogenic. Review status: criteria provided, multiple submitters, no conflicts (2 of 4 stars). 2 submissions from 2 submitters: Pathogenic (2). Last evaluated 2024-09-22.

Conditions:
Nephronophthisis. Also called: Juvenile Nephronophthisis. Identifiers: Orphanet 655, MedGen C0687120, MONDO:0019005, HP:0000090.
Infantile nephronophthisis (NPHP2). Also called: Nephronophthisis 2; Nephronophthisis 2, infantile. Identifiers: Orphanet 655, Orphanet 93591, MedGen C1865872, MONDO:0011190, OMIM 602088.

Submissions (2):

Genomic Medicine Center of Excellence, King Faisal Specialist Hospital and Research Centre
Classification: Pathogenic for Infantile nephronophthisis. Last evaluated: 2024-09-22. Review status: criteria provided, single submitter. Criteria: ACMG Guidelines, 2015. Collection method: clinical testing. Allele origin: germline.

Labcorp Genetics (formerly Invitae), Labcorp
Classification: Pathogenic for Nephronophthisis. Last evaluated: 2023-06-09. Review status: criteria provided, single submitter. Criteria: Invitae Variant Classification Sherloc (09022015). Collection method: clinical testing. Allele origin: germline.
Comment: This sequence change creates a premature translational stop signal (p.Gln587Argfs*2) in the INVS gene. It is expected to result in an absent or disrupted protein product. Loss-of-function variants in INVS are known to be pathogenic (PMID: 12872123). For these reasons, this variant has been classified as Pathogenic. ClinVar contains an entry for this variant (Variation ID: 1459019). This premature translational stop signal has been observed in individual(s) with INVS-related conditions (PMID: 26862157). This variant is not present in population databases (gnomAD no frequency).

Literature cited by the submitters: PubMed 12872123 (cited by Labcorp Genetics (formerly Invitae), Labcorp); PubMed 26862157 (cited by Labcorp Genetics (formerly Invitae), Labcorp).

NM_014425.5(INVS):c.1760del (p.Gln587fs)

Gene: INVS (inversin; plus strand). Cytogenetic location: 9q31.1.
Variant type: Deletion.
Coding change: c.1760del on transcript NM_014425.5 (MANE Select); coding-DNA position 1760, one base deleted (A; older notation c.1760delA).
Protein change: p.Gln587fs; shifts the reading frame from glutamine 587.
Molecular consequence: frameshift variant. On other transcripts: non-coding transcript variant (1).
Genome position (GRCh38, 1-based): chr9:100,273,052, A deleted. VCF-style (leftmost placement, unchanged base first): chr9-100273051-CA-C. GRCh37 (hg19) VCF-style: chr9-103035333-CA-C.
Other names: c.1472del, p.Gln491fs (NM_001318381.2); c.782del, p.Gln261fs (NM_001318382.2); short protein forms Q491fs, Q261fs, Q587fs.
Identifiers: ClinVar variation 1459019 (VCV001459019.6), dbSNP rs1833004339, ClinGen allele CA466438648.
Genomic context (GRCh38, chr9:100,273,051, plus strand): 5'-AAAGGGTACAAGGTCAGAAAAGCCTTCCGAGACAGGAAAAATCTCCTCATGAAGCATGAA[CA>C]GTTGAGAAAAGATGCTGCTGCCAAGTAAGTATGAGCTACGCAGATTGCGTTTTCGCCACC-3'